The following is an entry in ClinVar:

ClinVar aggregate classification (germline): Likely benign (1 of 4 stars; one submission).

Allele frequency attached by ClinVar (database versions not stated): TOPMed 0.01015; gnomAD 0.01016; 1000 Genomes Project 0.01038; 1000 Genomes Project 30x 0.01093.
gnomAD v4.1: 1,397 of 148,648 alleles (0.94%); highest among the groups gnomAD compares: African/African-American, 3.3%; 23 homozygotes.

Submission:

GeneDx
Classification: Likely benign. Last evaluated: 2018-06-14. Review status: criteria provided, single submitter. Criteria: GeneDx Variant Classification (06012015). Collection method: clinical testing. Allele origin: germline. Affected: yes.
Comment: This variant is considered likely benign or benign based on one or more of the following criteria: it is a conservative change, it occurs at a poorly conserved position in the protein, it is predicted to be benign by multiple in silico algorithms, and/or has population frequency not consistent with disease.

NM_001079802.2(FKTN):c.781-263C>T

Gene: FKTN (fukutin; plus strand). Cytogenetic location: 9q31.2.
Variant type: single nucleotide variant.
Coding change: c.781-263C>T on transcript NM_001079802.2 (MANE Select); 263 bases into the intron before coding-DNA position 781, C replaced by T.
Molecular consequence: intron variant.
Genome position (GRCh38, 1-based): chr9:105,615,015, C>T. VCF-style: chr9-105615015-C-T. GRCh37 (hg19) VCF-style: chr9-108377296-C-T.
Other names: c.781-263C>T (NM_006731.2, NM_001351496.2, NM_001198963.2 and 1 more transcripts); c.385-263C>T (NM_001351502.2, NM_001351499.2, NM_001351500.2 and 1 more transcripts); c.712-263C>T (NM_001351497.2).
Identifiers: ClinVar variation 669852 (VCV000669852.1), dbSNP rs180878733, ClinGen allele CA197447746.